The following is an entry in ClinVar:

NM_001372.4(DNAH9):c.9744C>T (p.Pro3248=)

Gene: DNAH9 (dynein axonemal heavy chain 9; plus strand). Cytogenetic location: 17p12.
Variant type: single nucleotide variant.
Coding change: c.9744C>T on transcript NM_001372.4 (MANE Select); coding-DNA position 9744, C replaced by T.
Protein change: p.Pro3248=; no amino-acid change (proline 3248 retained).
Molecular consequence: synonymous variant.
Genome position (GRCh38, 1-based): chr17:11,854,239, C>T. VCF-style: chr17-11854239-C-T. GRCh37 (hg19) VCF-style: chr17-11757556-C-T.
Other names: c.9744C>T (NM_001372.3).
Identifiers: ClinVar variation 1674911 (VCV001674911.10), dbSNP rs12449553, ClinGen allele CA8397297.
Genomic context (GRCh38, chr17:11,854,239, plus strand): 5'-CAACAAAGAGAACATTCACGAGAACTGCCTCAAAGCCATCAGGCCGTATCTGCAAGACCC[C>T]GAGTTCAATCCTGAGTTTGTGGCCACCAAATCCTATGCGGCTGCAGGCCTCTGCTCCTGG-3'
Protein context (NP_001363.2, residues 3238-3258): LKAIRPYLQD[Pro3248=]EFNPEFVATK

ClinVar aggregate classification (germline): Benign. Review status: criteria provided, single submitter (1 of 4 stars). 2 submissions from 2 submitters: Benign (1). 1 of the submissions does not count toward it. Last evaluated 2025-12-20.

Conditions:
DNAH9-related disorder. Also called: DNAH9-related condition.

Allele frequency attached by ClinVar (database versions not stated): 1000 Genomes Project 30x 0.00141; 1000 Genomes Project 0.00200.
gnomAD v4.1: 963 of 1,613,982 alleles (0.06%); highest among the groups gnomAD compares: South Asian, 0.92%; 11 homozygotes.

Submissions (2):

Labcorp Genetics (formerly Invitae), Labcorp
Classification: Benign. Last evaluated: 2025-12-20. Review status: criteria provided, single submitter. Criteria: Invitae Variant Classification Sherloc (09022015). Collection method: clinical testing. Allele origin: germline.

PreventionGenetics, part of Exact Sciences
Classification: Benign for DNAH9-related condition. Last evaluated: 2020-01-20. Review status: no assertion criteria provided. Collection method: clinical testing. Allele origin: germline. Not counted in ClinVar's aggregate classification.
Comment: This variant is classified as benign based on ACMG/AMP sequence variant interpretation guidelines (Richards et al. 2015 PMID: 25741868, with internal and published modifications).